The following is an entry in ClinVar:

ClinVar aggregate classification (germline): Uncertain significance (1 of 4 stars; one submission).

Conditions:
Hereditary cancer-predisposing syndrome. Also called: Tumor predisposition; Hereditary Cancer Syndrome; Hereditary neoplastic syndrome; Neoplastic Syndromes, Hereditary. Identifiers: Orphanet 140162, MedGen C0027672, MeSH D009386, MONDO:0015356.

Submission:

Ambry Genetics
Classification: Uncertain significance for Hereditary cancer-predisposing syndrome. Last evaluated: 2020-05-11. Review status: criteria provided, single submitter. Criteria: Ambry Variant Classification Scheme 2023. Collection method: clinical testing. Allele origin: germline.
Comment: The c.8584+607A>G intronic alteration consists of a A to G substitution 07 nucleotides after coding exon 57 in the ATM gene. Based on insufficient or conflicting evidence, the clinical significance of this alteration remains unclear.

NM_000051.4(ATM):c.8584+607A>G

Genes: ATM (ATM serine/threonine kinase; plus strand), C11orf65 (chromosome 11 open reading frame 65; minus strand). Cytogenetic location: 11q22.3.
Variant type: single nucleotide variant.
Coding change: c.8584+607A>G on transcript NM_000051.4 (MANE Select); 607 bases into the intron after coding-DNA position 8584, A replaced by G.
Molecular consequence: intron variant.
Genome position (GRCh38, 1-based): chr11:108,346,515, A>G. VCF-style: chr11-108346515-A-G. GRCh37 (hg19) VCF-style: chr11-108217242-A-G.
Other names: c.8584+607A>G (NM_001351834.2); c.641-37444T>C (NM_001330368.2); c.695-11223T>C (NM_001351110.2).
Identifiers: ClinVar variation 3131080 (VCV003131080.1), dbSNP rs930736927, ClinGen allele CA2825001983.
Genomic context (GRCh38, chr11:108,346,515, plus strand): 5'-ATGAGAACTAATGTAAACATTAGAGATCATCTAATCTATTTGTTGTTTTTTTTTTTTTTA[A>G]CTAAAGACAACTCCCTCCATCACTTACATACTATACCCCAGGAAGGCAGGGCATGTATGT-3'